The following is an entry in ClinVar:

NM_025074.7(FRAS1):c.9890T>C (p.Ile3297Thr)

Gene: FRAS1 (Fraser extracellular matrix complex subunit 1; plus strand). Cytogenetic location: 4q21.21.
Variant type: single nucleotide variant.
Coding change: c.9890T>C on transcript NM_025074.7 (MANE Select); coding-DNA position 9890, T replaced by C.
Protein change: p.Ile3297Thr; replaces isoleucine 3297 with threonine.
Molecular consequence: missense variant.
Genome position (GRCh38, 1-based): chr4:78,511,383, T>C. VCF-style: chr4-78511383-T-C. GRCh37 (hg19) VCF-style: chr4-79432537-T-C.
Other names: short protein forms I3297T.
Identifiers: ClinVar variation 3694357 (VCV003694357.2).
Genomic context (GRCh38, chr4:78,511,383, plus strand): 5'-CCAAGGCTGTGGACAAGGTGGGCCATGTGGGGACCCCCTTAAGGAGCAACATTGTTACCA[T>C]TGGAACAGACAGTGCTATCTGCCACACACCAGTGGTGGCTGGGACATCCAGAGGCTTCCA-3'
Protein context (NP_079350.5, residues 3287-3307): GTPLRSNIVT[Ile3297Thr]GTDSAICHTP

ClinVar aggregate classification (germline): Uncertain significance (1 of 4 stars; one submission).

gnomAD v4.1: 12 of 1,613,814 alleles (0.00074%); highest among the groups gnomAD compares: Non-Finnish European, 0.00068%; no homozygotes.

Submission:

Labcorp Genetics (formerly Invitae), Labcorp
Classification: Uncertain significance. Last evaluated: 2024-08-08. Review status: criteria provided, single submitter. Criteria: Invitae Variant Classification Sherloc (09022015). Collection method: clinical testing. Allele origin: germline.
Comment: This sequence change replaces isoleucine, which is neutral and non-polar, with threonine, which is neutral and polar, at codon 3297 of the FRAS1 protein (p.Ile3297Thr). This variant is present in population databases (no rsID available, gnomAD 0.01%). This variant has not been reported in the literature in individuals affected with FRAS1-related conditions. Advanced modeling of protein sequence and biophysical properties (such as structural, functional, and spatial information, amino acid conservation, physicochemical variation, residue mobility, and thermodynamic stability) performed at Invitae indicates that this missense variant is expected to disrupt FRAS1 protein function with a positive predictive value of 80%. In summary, the available evidence is currently insufficient to determine the role of this variant in disease. Therefore, it has been classified as a Variant of Uncertain Significance.